The following is an entry in ClinVar:

ClinVar aggregate classification (germline): Likely benign (0 of 4 stars; one submission).

Conditions:
SLC6A9-related disorder. Also called: SLC6A9-related condition.

Allele frequency attached by ClinVar (database versions not stated): gnomAD 0.00002; ESP Exome Variant Server 0.00008; 1000 Genomes Project 30x 0.00016; 1000 Genomes Project 0.00020.
gnomAD v4.1: 23 of 1,614,078 alleles (0.0014%); highest among the groups gnomAD compares: East Asian, 0.0045%; no homozygotes.

Submission:

PreventionGenetics, part of Exact Sciences
Classification: Likely benign for SLC6A9-related condition. Last evaluated: 2019-08-01. Review status: no assertion criteria provided. Collection method: clinical testing. Allele origin: germline.
Comment: This variant is classified as likely benign based on ACMG/AMP sequence variant interpretation guidelines (Richards et al. 2015 PMID: 25741868, with internal and published modifications).

NM_001024845.3(SLC6A9):c.417G>A (p.Thr139=)

Gene: SLC6A9 (solute carrier family 6 member 9; minus strand). Cytogenetic location: 1p34.1.
Variant type: single nucleotide variant.
Coding change: c.417G>A on transcript NM_001024845.3 (MANE Select); coding-DNA position 417, G replaced by A.
Protein change: p.Thr139=; no amino-acid change (threonine 139 retained).
Molecular consequence: synonymous variant. On other transcripts: non-coding transcript variant (1).
Genome position (GRCh38, 1-based): chr1:44,008,526, C>T on the plus strand (G>A on the coding strand, the complement: SLC6A9 is on the minus strand). VCF-style: chr1-44008526-C-T. GRCh37 (hg19) VCF-style: chr1-44474198-C-T.
Other names: c.429G>A, p.Thr143= (NM_001261380.2); c.84G>A, p.Thr28= (NM_001328626.2, NM_001328630.2); c.354G>A, p.Thr118= (NM_001328627.1); c.222G>A, p.Thr74= (NM_001328628.1); c.417G>A, p.Thr139= (NM_001328629.1); c.474G>A, p.Thr158= (NM_006934.4); c.636G>A, p.Thr212= (NM_201649.4).
Identifiers: ClinVar variation 3035479 (VCV003035479.2), dbSNP rs144161106, ClinGen allele CA817802.